The following is an entry in ClinVar:

ClinVar aggregate classification (germline): Pathogenic (1 of 4 stars; one submission).

Conditions:
Neurofibromatosis, type 2 (SWNV). Also called: BILATERAL ACOUSTIC NEUROFIBROMATOSIS; SCHWANNOMATOSIS, VESTIBULAR; NF2-Related Schwannomatosis. Identifiers: Orphanet 637, MedGen C0027832, MONDO:0007039, OMIM 101000. Disease mechanism: loss of function.

Submission:

Labcorp Genetics (formerly Invitae), Labcorp
Classification: Pathogenic for Neurofibromatosis, type 2. Last evaluated: 2020-09-19. Review status: criteria provided, single submitter. Criteria: Invitae Variant Classification Sherloc (09022015). Collection method: clinical testing. Allele origin: germline.
Comment: For these reasons, this variant has been classified as Pathogenic. Loss-of-function variants in NF2 are known to be pathogenic (PMID: 9643284, 16983642). This variant has not been reported in the literature in individuals with NF2-related conditions. This variant is not present in population databases (ExAC no frequency). This sequence change creates a premature translational stop signal (p.Glu107*) in the NF2 gene. It is expected to result in an absent or disrupted protein product.

Literature cited by the submitters: PubMed 9643284; PubMed 16983642.

NM_000268.4(NF2):c.319_325delinsTAGGATA (p.Glu107_Leu109delinsTer)

Gene: NF2 (NF2, moesin-ezrin-radixin like (MERLIN) tumor suppressor; plus strand). Cytogenetic location: 22q12.2.
Variant type: Indel.
Coding change: c.319_325delinsTAGGATA on transcript NM_000268.4 (MANE Select); coding-DNA positions 319 to 325, GAGGAGC replaced by TAGGATA.
Protein change: p.Glu107_Leu109delinsTer.
Molecular consequence: nonsense. On other transcripts: non-coding transcript variant (1), intron variant (3).
Genome position (GRCh38, 1-based): chr22:29,639,168-29,639,174, GAGGAGC replaced by TAGGATA. VCF-style: chr22-29639168-GAGGAGC-TAGGATA. GRCh37 (hg19) VCF-style: chr22-30035157-GAGGAGC-TAGGATA.
Other names: c.319_325delinsTAGGATA, p.Glu107_Leu109delinsTer (NM_016418.5, NM_181825.3, NM_181832.3 and 1 more transcripts); c.193_199delinsTAGGATA, p.Glu65_Leu67delinsTer (NM_181828.3); c.240+2292_240+2298delinsTAGGATA (NM_181829.3); c.115-3034_115-3028delinsTAGGATA (NM_181830.3, NM_181831.3).
Identifiers: ClinVar variation 970254 (VCV000970254.6), dbSNP rs2065731800, ClinGen allele CA1139667048.